The following is an entry in ClinVar:

ClinVar aggregate classification (germline): Uncertain significance (1 of 4 stars; one submission).

Conditions:
SLC25A24-related disorder. Also called: SLC25A24-related condition.

gnomAD v4.1: 2 of 1,608,372 alleles (0.00012%); highest among the groups gnomAD compares: Admixed American, 0.0017%; no homozygotes.

Submission:

PreventionGenetics, part of Exact Sciences
Classification: Uncertain significance for SLC25A24-related condition. Last evaluated: 2026-09-19. Review status: criteria provided, single submitter. Criteria: ACMG Guidelines, 2015. Collection method: clinical testing. Allele origin: germline.
Comment: The SLC25A24 c.1250C>T variant is predicted to result in the amino acid substitution p.Ala417Val. To our knowledge, this variant has not been reported in the literature. This variant is reported in 0.0% of alleles in individuals of African descent in gnomAD. At this time, the clinical significance of this variant is uncertain due to the absence of conclusive functional and genetic evidence.

NM_013386.5(SLC25A24):c.1250C>T (p.Ala417Val)

Gene: SLC25A24 (solute carrier family 25 member 24; minus strand). Cytogenetic location: 1p13.3.
Variant type: single nucleotide variant.
Coding change: c.1250C>T on transcript NM_013386.5 (MANE Select); coding-DNA position 1250, C replaced by T.
Protein change: p.Ala417Val; replaces alanine 417 with valine.
Molecular consequence: missense variant.
Genome position (GRCh38, 1-based): chr1:108,136,837, G>A on the plus strand (C>T on the coding strand, the complement: SLC25A24 is on the minus strand). VCF-style: chr1-108136837-G-A. GRCh37 (hg19) VCF-style: chr1-108679459-G-A.
Other names: c.1193C>T, p.Ala398Val (NM_213651.3); short protein forms A398V, A417V.
Identifiers: ClinVar variation 3346280 (VCV003346280.2).